The following is an entry in ClinVar:

ClinVar aggregate classification (germline): Uncertain significance. Review status: criteria provided, multiple submitters, no conflicts (2 of 4 stars). 3 submissions from 3 submitters: Uncertain significance (3). Last evaluated 2024-12-17.

Conditions:
SCN10A-related disorder. Also called: SCN10A-related condition.
Brugada syndrome. Also called: Sudden unexpected nocturnal death syndrome; Sudden unexplained nocturnal death syndrome; Sudden Unexplained Death Syndrome; Sudden Unexplained Nocturnal Death Syndrome (SUNDS). Identifiers: Orphanet 130, MedGen C1142166, MONDO:0015263.
Cardiovascular phenotype. Identifiers: MedGen CN230736.

Allele frequency attached by ClinVar (database versions not stated): TOPMed below 0.00001; ExAC 0.00001; gnomAD 0.00001; gnomAD exomes 0.00001.
gnomAD v4.1: 13 of 1,614,102 alleles (0.00081%); highest among the groups gnomAD compares: Admixed American, 0.0017%; no homozygotes.

Submissions (3):

PreventionGenetics, part of Exact Sciences
Classification: Uncertain significance for SCN10A-related condition. Last evaluated: 2024-12-17. Review status: criteria provided, single submitter. Criteria: ACMG Guidelines, 2015. Collection method: clinical testing. Allele origin: germline.
Comment: The SCN10A c.2540G>A variant is predicted to result in the amino acid substitution p.Cys847Tyr. To our knowledge, this variant has not been reported in the literature. This variant is reported in 0.0029% of alleles in individuals of Latino descent in gnomAD. At this time, the clinical significance of this variant is uncertain due to the absence of conclusive functional and genetic evidence.

Labcorp Genetics (formerly Invitae), Labcorp
Classification: Uncertain significance for Brugada syndrome. Last evaluated: 2024-04-22. Review status: criteria provided, single submitter. Criteria: Invitae Variant Classification Sherloc (09022015). Collection method: clinical testing. Allele origin: germline.
Comment: This sequence change replaces cysteine, which is neutral and slightly polar, with tyrosine, which is neutral and polar, at codon 847 of the SCN10A protein (p.Cys847Tyr). This variant is present in population databases (rs772757323, gnomAD 0.003%). This variant has not been reported in the literature in individuals affected with SCN10A-related conditions. ClinVar contains an entry for this variant (Variation ID: 1502743). Advanced modeling of protein sequence and biophysical properties (such as structural, functional, and spatial information, amino acid conservation, physicochemical variation, residue mobility, and thermodynamic stability) performed at Invitae indicates that this missense variant is expected to disrupt SCN10A protein function with a positive predictive value of 80%. In summary, the available evidence is currently insufficient to determine the role of this variant in disease. Therefore, it has been classified as a Variant of Uncertain Significance.

Ambry Genetics
Classification: Uncertain significance for Cardiovascular phenotype. Last evaluated: 2023-01-07. Review status: criteria provided, single submitter. Criteria: Ambry Variant Classification Scheme 2023. Collection method: clinical testing. Allele origin: germline.
Comment: The p.C847Y variant (also known as c.2540G>A), located in coding exon 15 of the SCN10A gene, results from a G to A substitution at nucleotide position 2540. The cysteine at codon 847 is replaced by tyrosine, an amino acid with highly dissimilar properties. This amino acid position is conserved. In addition, this alteration is predicted to be deleterious by in silico analysis. Since supporting evidence is limited at this time, the clinical significance of this alteration remains unclear.

NM_006514.4(SCN10A):c.2540G>A (p.Cys847Tyr)

Gene: SCN10A (sodium voltage-gated channel alpha subunit 10; minus strand). Cytogenetic location: 3p22.2.
Variant type: single nucleotide variant.
Coding change: c.2540G>A on transcript NM_006514.4 (MANE Select); coding-DNA position 2540, G replaced by A.
Protein change: p.Cys847Tyr; replaces cysteine 847 with tyrosine.
Molecular consequence: missense variant.
Genome position (GRCh38, 1-based): chr3:38,728,642, C>T on the plus strand (G>A on the coding strand, the complement: SCN10A is on the minus strand). VCF-style: chr3-38728642-C-T. GRCh37 (hg19) VCF-style: chr3-38770133-C-T.
Other names: c.2246G>A, p.Cys749Tyr (NM_001293307.2); c.2540G>A (NM_006514.3, NM_006514.2); c.2540G>A, p.Cys847Tyr (NM_001293306.2); short protein forms C847Y, C749Y.
Identifiers: ClinVar variation 1502743 (VCV001502743.9), dbSNP rs772757323, ClinGen allele CA2320515.